The following is an entry in ClinVar:

ClinVar aggregate classification (germline): Likely pathogenic (1 of 4 stars; one submission).

Conditions:
Dilated cardiomyopathy 1G (CMD1G). Identifiers: Orphanet 154, MedGen C1858763, MONDO:0011400, OMIM 604145.
Autosomal recessive limb-girdle muscular dystrophy type 2J (LGMDR10). Also called: Limb-girdle muscular dystrophy, type 2J; MUSCULAR DYSTROPHY, LIMB-GIRDLE, AUTOSOMAL RECESSIVE 10. Identifiers: Orphanet 140922, MedGen C1837342, MONDO:0012127, OMIM 608807.

Submission:

Labcorp Genetics (formerly Invitae), Labcorp
Classification: Likely pathogenic for Dilated cardiomyopathy 1G; Autosomal recessive limb-girdle muscular dystrophy type 2J. Last evaluated: 2025-02-26. Review status: criteria provided, single submitter. Criteria: Invitae Variant Classification Sherloc (09022015). Collection method: clinical testing. Allele origin: germline.
Comment: This sequence change creates a premature translational stop signal (p.Glu14943Valfs*11) in the TTN gene. While this is not anticipated to result in nonsense mediated decay, it is expected to create a truncated TTN protein. This variant is not present in population databases (gnomAD no frequency). This variant has not been reported in the literature in individuals affected with TTN-related conditions. This variant is located in the I band of TTN (PMID: 25589632). Truncating variants in this region have been reported in individuals affected with autosomal recessive centronuclear myopathy (PMID: 23975875, internal data). Truncating variants in this region have also been identified in individuals affected with autosomal dominant dilated cardiomyopathy and/or cardio-related conditions (PMID: 27869827, 32964742, internal data). In summary, the currently available evidence indicates that the variant is pathogenic, but additional data are needed to prove that conclusively. Therefore, this variant has been classified as Likely Pathogenic.

Literature cited by the submitters: PubMed 25589632; PubMed 23975875; PubMed 27869827; PubMed 32964742.

NM_001267550.2(TTN):c.44828_44829del (p.Glu14943fs)

Gene: TTN (titin; minus strand). Cytogenetic location: 2q31.2.
Variant type: Deletion.
Coding change: c.44828_44829del on transcript NM_001267550.2 (MANE Select); coding-DNA positions 44828 to 44829, 2 bases deleted (AA; older notation c.44828_44829delAA).
Protein change: p.Glu14943fs; shifts the reading frame from glutamic acid 14943.
Molecular consequence: frameshift variant.
Genome position (GRCh38, 1-based): chr2:178,622,754-178,622,755, TT deleted on the plus strand (AA on the coding strand, the reverse complement: TTN is on the minus strand). VCF-style (leftmost placement, unchanged base first): chr2-178622753-ATT-A. GRCh37 (hg19) VCF-style: chr2-179487480-ATT-A.
Other names: c.39905_39906del, p.Glu13302fs (NM_001256850.1); c.17633_17634del, p.Glu5878fs (NM_003319.4); c.37124_37125del, p.Glu12375fs (NM_133378.4); c.18008_18009del, p.Glu6003fs (NM_133432.3); c.18209_18210del, p.Glu6070fs (NM_133437.4); short protein forms E5878fs, E6003fs, E12375fs, E6070fs, E13302fs, E14943fs.
Identifiers: ClinVar variation 4784287 (VCV004784287.1).